The following is an entry in ClinVar:

NM_014363.6(SACS):c.12908T>A (p.Leu4303Ter)

Gene: SACS (sacsin molecular chaperone; minus strand). Cytogenetic location: 13q12.12.
Variant type: single nucleotide variant.
Coding change: c.12908T>A on transcript NM_014363.6 (MANE Select); coding-DNA position 12908, T replaced by A.
Protein change: p.Leu4303Ter; replaces leucine 4303 with a stop codon.
Molecular consequence: nonsense.
Genome position (GRCh38, 1-based): chr13:23,330,968, A>T on the plus strand (T>A on the coding strand, the complement: SACS is on the minus strand). VCF-style: chr13-23330968-A-T. GRCh37 (hg19) VCF-style: chr13-23905107-A-T.
Other names: c.12467T>A, p.Leu4156Ter (NM_001278055.2); short protein forms L4303*, L4156*.
Identifiers: ClinVar variation 583073 (VCV000583073.10), dbSNP rs1566055368, ClinGen allele CA387506533.
Genomic context (GRCh38, chr13:23,330,968, plus strand): 5'-GATTCTGGAAGCTTCCATGCTTGCTCCACCACAGATGTCACTTCTTTTAAGATTTCTGGT[A>T]AAGAATTAACCTTAAGCTTTTTGGGGGACTGATGTTTGGAAGAAGTCTTGTGGCTCTCTC-3'

ClinVar aggregate classification (germline): Pathogenic (1 of 4 stars; one submission).

Conditions:
Spastic paraplegia. Identifiers: MedGen C0037772, HP:0001258.

Submission:

Labcorp Genetics (formerly Invitae), Labcorp
Classification: Pathogenic for Spastic paraplegia. Last evaluated: 2020-03-03. Review status: criteria provided, single submitter. Criteria: Invitae Variant Classification Sherloc (09022015). Collection method: clinical testing. Allele origin: germline.
Comment: For these reasons, this variant has been classified as Pathogenic. This variant disrupts the C-terminus of the SACS protein. Other variant(s) that disrupt this region (p.Tyr4428*) have been determined to be pathogenic (Invitae). This suggests that variants that disrupt this region of the protein are likely to be causative of disease. This variant has not been reported in the literature in individuals with SACS-related conditions. ClinVar contains an entry for this variant (Variation ID: 583073). This variant is not present in population databases (ExAC no frequency). This sequence change results in a premature translational stop signal in the SACS gene (p.Leu4303*). While this is not anticipated to result in nonsense mediated decay, it is expected to disrupt the last 277 amino acids of the SACS protein.